The following is an entry in ClinVar:

ClinVar aggregate classification (germline): Uncertain significance (1 of 4 stars; one submission).

Conditions:
Cardiovascular phenotype. Identifiers: MedGen CN230736.

Submission:

Ambry Genetics
Classification: Uncertain significance for Cardiovascular phenotype. Last evaluated: 2016-11-17. Review status: criteria provided, single submitter. Criteria: Ambry Variant Classification Scheme 2023. Collection method: clinical testing. Allele origin: germline.
Comment: The c.485_489dupTACAC variant, located in coding exon 8 of the RYR2 gene, results from a duplication of TACAC at nucleotide position 485, causing a translational frameshift with a predicted alternate stop codon (p.P164Yfs*22). This variant was not reported in population based cohorts in the following databases: Database of Single Nucleotide Polymorphisms (dbSNP), NHLBI Exome Sequencing Project (ESP), and 1000 Genomes Project. In the ESP, this variant was not observed in 6081 samples (12162 alleles) with coverage at this position. This alteration is expected to result in loss of function by premature protein truncation or nonsense-mediated mRNA decay. However, loss of function of RYR2 has not been clearly established as a mechanism of disease. Since supporting evidence is limited at this time, the clinical significance of this alteration remains unclear.

NM_001035.3(RYR2):c.485_489dup (p.Pro164fs)

Gene: RYR2 (ryanodine receptor 2; plus strand). Cytogenetic location: 1q43.
Variant type: Duplication.
Coding change: c.485_489dup on transcript NM_001035.3 (MANE Select); coding-DNA positions 485 to 489, 5 bases duplicated (TACAC; older notation c.485_489dupTACAC).
Protein change: p.Pro164fs; shifts the reading frame from proline 164.
Molecular consequence: frameshift variant.
Genome position (GRCh38, 1-based): chr1:237,377,344-237,377,348, TACAC duplicated. VCF-style (leftmost placement, unchanged base first): chr1-237377343-A-ATACAC. GRCh37 (hg19) VCF-style: chr1-237540643-A-ATACAC.
Other names: c.485_489dup, p.Pro164fs (LRG_402t1); c.485_489dupTACAC (NM_001035.2); short protein forms P164fs.
Identifiers: ClinVar variation 519358 (VCV000519358.5), dbSNP rs1553426652, ClinGen allele CA658795629.